The following is an entry in ClinVar:

ClinVar aggregate classification (germline): Uncertain significance (1 of 4 stars; one submission).

gnomAD v4.1: 1 of 1,560,504 alleles (0.000064%); highest among the groups gnomAD compares: Non-Finnish European, 0.000087%; no homozygotes.

Submission:

Labcorp Genetics (formerly Invitae), Labcorp
Classification: Uncertain significance. Last evaluated: 2025-08-03. Review status: criteria provided, single submitter. Criteria: Invitae Variant Classification Sherloc (09022015). Collection method: clinical testing. Allele origin: germline.
Comment: This sequence change replaces glycine, which is neutral and non-polar, with valine, which is neutral and non-polar, at codon 222 of the LEMD3 protein (p.Gly222Val). This variant is not present in population databases (gnomAD no frequency). This variant has not been reported in the literature in individuals affected with LEMD3-related conditions. ClinVar contains an entry for this variant (Variation ID: 2803965). Invitae Evidence Modeling of protein sequence and biophysical properties (such as structural, functional, and spatial information, amino acid conservation, physicochemical variation, residue mobility, and thermodynamic stability) indicates that this missense variant is not expected to disrupt LEMD3 protein function with a negative predictive value of 80%. In summary, the available evidence is currently insufficient to determine the role of this variant in disease. Therefore, it has been classified as a Variant of Uncertain Significance.

NM_014319.5(LEMD3):c.665G>T (p.Gly222Val)

Gene: LEMD3 (LEM domain containing 3; plus strand). Cytogenetic location: 12q14.3.
Variant type: single nucleotide variant.
Coding change: c.665G>T on transcript NM_014319.5 (MANE Select); coding-DNA position 665, G replaced by T.
Protein change: p.Gly222Val; replaces glycine 222 with valine.
Molecular consequence: missense variant.
Genome position (GRCh38, 1-based): chr12:65,170,261, G>T. VCF-style: chr12-65170261-G-T. GRCh37 (hg19) VCF-style: chr12-65564041-G-T.
Other names: c.665G>T, p.Gly222Val (NM_001167614.2); short protein forms G222V.
Identifiers: ClinVar variation 2803965 (VCV002803965.3), dbSNP rs1417036862, ClinGen allele CA385673697.